The following is an entry in ClinVar:

NM_001394894.2(NLRP11):c.1842-6A>G

Gene: NLRP11 (NLR family pyrin domain containing 11; minus strand). Cytogenetic location: 19q13.43.
Variant type: single nucleotide variant.
Coding change: c.1842-6A>G on transcript NM_001394894.2 (MANE Select); 6 bases into the intron before coding-DNA position 1842, A replaced by G.
Molecular consequence: intron variant.
Genome position (GRCh38, 1-based): chr19:55,808,020, T>C on the plus strand (A>G on the coding strand, the complement: NLRP11 is on the minus strand). VCF-style: chr19-55808020-T-C. GRCh37 (hg19) VCF-style: chr19-56319386-T-C.
Other names: c.1545-6A>G (NM_001297743.3); c.1841+749A>G (NM_001385451.2); c.1842-6A>G (NM_001385453.2, NM_145007.5).
Identifiers: ClinVar variation 103273 (VCV000103273.3), dbSNP rs199476239, ClinGen allele CA230349.

ClinVar aggregate classification (germline): not provided (0 of 4 stars; one submission).

Allele frequency attached by ClinVar (database versions not stated): ExAC 0.00029; gnomAD exomes 0.00034; gnomAD 0.00046 and 0.00047; TOPMed 0.00049; ESP Exome Variant Server 0.00054.
gnomAD v4.1: 803 of 1,569,926 alleles (0.051%); highest among the groups gnomAD compares: Non-Finnish European, 0.063%; no homozygotes.

Submission:

Human Evolutionary Genetics, Institut Pasteur
No classification provided. Review status: no classification provided. Collection method: not provided. Allele origin: germline.
ClinVar note: Converted during submission from untested to not provided.